The following is an entry in ClinVar:

ClinVar aggregate classification (germline): Uncertain significance (1 of 4 stars; one submission).

Conditions:
Becker muscular dystrophy (BMD). Also called: Becker Muscular Dystrophy (BMD); MUSCULAR DYSTROPHY, PSEUDOHYPERTROPHIC PROGRESSIVE, BECKER TYPE. Identifiers: Orphanet 98895, MedGen C0917713, MONDO:0010311, OMIM 300376.

Submission:

Neuberg Centre For Genomic Medicine, NCGM
Classification: Uncertain significance for Becker muscular dystrophy. Review status: criteria provided, single submitter. Criteria: ACMG Guidelines, 2015. Collection method: clinical testing. Allele origin: germline. Inheritance: X-linked inheritance. Affected: yes.
Comment: The missense variant in c.607G>C (p.Ala203Pro) in DMD gene has not been reported previously as a pathogenic variant nor as a benign variant, to our knowledge. The p.Ala203Pro variant is novel (not in any individuals) in gnomAD Exomes and 1000 Genomes. The amino acid Ala at position 203 is changed to a Pro changing protein sequence and it might alter its composition and physico-chemical properties. The variant is predicted to be damaging by both SIFT and PolyPhen2. The residue is conserved across species. The amino acid change p.Ala203Pro in DMD is predicted as conserved by GERP++ and PhyloP across 100 vertebrates. For these reasons, this variant has been classified as Uncertain Significance.

NM_004006.3(DMD):c.607G>C (p.Ala203Pro)

Gene: DMD (dystrophin; minus strand). Cytogenetic location: Xp21.1.
Variant type: single nucleotide variant.
Coding change: c.607G>C on transcript NM_004006.3 (MANE Select); coding-DNA position 607, G replaced by C.
Protein change: p.Ala203Pro; replaces alanine 203 with proline.
Molecular consequence: missense variant.
Genome position (GRCh38, 1-based): chrX:32,809,535, C>G on the plus strand (G>C on the coding strand, the complement: DMD is on the minus strand). VCF-style: chrX-32809535-C-G. GRCh37 (hg19) VCF-style: chrX-32827652-C-G.
Other names: c.583G>C, p.Ala195Pro (NM_000109.4); c.595G>C, p.Ala199Pro (NM_004009.3); c.238G>C, p.Ala80Pro (NM_004010.3); short protein forms A199P, A203P, A80P, A195P.
Identifiers: ClinVar variation 2585486 (VCV002585486.1), dbSNP rs1220485962, ClinGen allele CA412673842.